The following is an entry in ClinVar:

NM_000147.5(FUCA1):c.1024A>G (p.Thr342Ala)

Gene: FUCA1 (alpha-L-fucosidase 1; minus strand). Cytogenetic location: 1p36.11.
Variant type: single nucleotide variant.
Coding change: c.1024A>G on transcript NM_000147.5 (MANE Select); coding-DNA position 1024, A replaced by G.
Protein change: p.Thr342Ala; replaces threonine 342 with alanine.
Molecular consequence: missense variant.
Genome position (GRCh38, 1-based): chr1:23,848,785, T>C on the plus strand (A>G on the coding strand, the complement: FUCA1 is on the minus strand). VCF-style: chr1-23848785-T-C. GRCh37 (hg19) VCF-style: chr1-24175275-T-C.
Other names: short protein forms T342A.
Identifiers: ClinVar variation 875408 (VCV000875408.9), dbSNP rs769788583, ClinGen allele CA686375.

ClinVar aggregate classification (germline): Uncertain significance. Review status: criteria provided, multiple submitters, no conflicts (2 of 4 stars). 3 submissions from 3 submitters: Uncertain significance (3). Last evaluated 2025-03-03.

Conditions:
Fucosidosis. Also called: ALPHA-L-FUCOSIDASE DEFICIENCY. Identifiers: Orphanet 349, MedGen C0016788, MONDO:0009254, OMIM 230000.
Inborn genetic diseases. Identifiers: MedGen C0950123, MeSH D030342.

Allele frequency attached by ClinVar (database versions not stated): gnomAD 0.00001; gnomAD exomes 0.00001; ExAC 0.00002; TOPMed 0.00004.
gnomAD v4.1: 20 of 1,614,096 alleles (0.0012%); highest among the groups gnomAD compares: East Asian, 0.0022%; no homozygotes.

Submissions (3):

Ambry Genetics
Classification: Uncertain significance for Inborn genetic diseases. Last evaluated: 2025-03-03. Review status: criteria provided, single submitter. Criteria: Ambry Variant Classification Scheme 2023. Collection method: clinical testing. Allele origin: germline.

Labcorp Genetics (formerly Invitae), Labcorp
Classification: Uncertain significance for Fucosidosis. Last evaluated: 2021-09-24. Review status: criteria provided, single submitter. Criteria: Invitae Variant Classification Sherloc (09022015). Collection method: clinical testing. Allele origin: germline.
Comment: This sequence change replaces threonine with alanine at codon 342 of the FUCA1 protein (p.Thr342Ala). The threonine residue is moderately conserved and there is a small physicochemical difference between threonine and alanine. This variant is present in population databases (rs769788583, ExAC 0.003%). This variant has not been reported in the literature in individuals affected with FUCA1-related conditions. ClinVar contains an entry for this variant (Variation ID: 875408). Algorithms developed to predict the effect of missense changes on protein structure and function are either unavailable or do not agree on the potential impact of this missense change (SIFT: "Deleterious"; PolyPhen-2: "Possibly Damaging"; Align-GVGD: "Class C0"). Algorithms developed to predict the effect of sequence changes on RNA splicing suggest that this variant may create or strengthen a splice site. In summary, the available evidence is currently insufficient to determine the role of this variant in disease. Therefore, it has been classified as a Variant of Uncertain Significance.

Illumina Laboratory Services, Illumina
Classification: Uncertain significance for Fucosidosis. Last evaluated: 2018-01-13. Review status: criteria provided, single submitter. Criteria: ICSL Variant Classification Criteria 13 December 2019. Collection method: clinical testing. Allele origin: germline.